The following is an entry in ClinVar:

NC_000019.10:g.39480594G>T

Gene: TIMM50 (translocase of inner mitochondrial membrane 50; plus strand). Cytogenetic location: 19q13.2.
Variant type: single nucleotide variant.
Genome position: GRCh38 VCF-style: chr19-39480594-G-T. GRCh37 (hg19) VCF-style: chr19-39971234-G-T.
Identifiers: ClinVar variation 3630144 (VCV003630144.2).

ClinVar aggregate classification (germline): Uncertain significance (1 of 4 stars; one submission).

Submission:

Labcorp Genetics (formerly Invitae), Labcorp
Classification: Uncertain significance. Last evaluated: 2024-02-27. Review status: criteria provided, single submitter. Criteria: Invitae Variant Classification Sherloc (09022015). Collection method: clinical testing. Allele origin: germline.
Comment: This sequence change replaces cysteine, which is neutral and slightly polar, with phenylalanine, which is neutral and non-polar, at codon 17 of the TIMM50 protein (p.Cys17Phe). This variant is present in population databases (no rsID available, gnomAD no frequency). This variant has not been reported in the literature in individuals affected with TIMM50-related conditions. An algorithm developed to predict the effect of missense changes on protein structure and function (PolyPhen-2) suggests that this variant is likely to be tolerated. In summary, the available evidence is currently insufficient to determine the role of this variant in disease. Therefore, it has been classified as a Variant of Uncertain Significance.